The following is an entry in ClinVar:

NM_000238.4(KCNH2):c.861C>T (p.Asp287=)

Gene: KCNH2 (potassium voltage-gated channel subfamily H member 2; minus strand). Cytogenetic location: 7q36.1.
Variant type: single nucleotide variant.
Coding change: c.861C>T on transcript NM_000238.4 (MANE Select); coding-DNA position 861, C replaced by T.
Protein change: p.Asp287=; no amino-acid change (aspartic acid 287 retained).
Molecular consequence: synonymous variant. On other transcripts: non-coding transcript variant (1).
Genome position (GRCh38, 1-based): chr7:150,958,114, G>A on the plus strand (C>T on the coding strand, the complement: KCNH2 is on the minus strand). VCF-style: chr7-150958114-G-A. GRCh37 (hg19) VCF-style: chr7-150655202-G-A.
Other names: c.684C>T, p.Asp228= (NM_001406755.1); c.573C>T, p.Asp191= (NM_001406756.1, NM_001406753.1); c.561C>T, p.Asp187= (NM_001406757.1); c.861C>T, p.Asp287= (NM_172056.3).
Identifiers: ClinVar variation 4875440 (VCV004875440.2).
Genomic context (GRCh38, chr7:150,958,114, plus strand): 5'-CTCACCGGTGCTGGCGTGGCGCGGTGGCGGGGGCAGCACCCCGGCGCGCATGGCCTCGAT[G>A]TCGTCGGCCGACGAGGCGCGGCGCACGCTGGCGCAGCTTTCTCGGGAGCGCGTCCGGGCC-3'
Protein context (NP_000229.1, residues 277-297): ASVRRASSAD[Asp287=]IEAMRAGVLP

ClinVar aggregate classification (germline): Likely benign (1 of 4 stars; one submission).

Submission:

CeGaT Center for Human Genetics Tuebingen
Classification: Likely benign. Last evaluated: 2026-06-01. Review status: criteria provided, single submitter. Criteria: CeGaT Center For Human Genetics Tuebingen Variant Classification Criteria Version 2. Collection method: clinical testing. Allele origin: germline. Affected: yes. Observed: 1 variant allele.
Comment: KCNH2: BP4, BP7